The following is an entry in ClinVar:

ClinVar aggregate classification (germline): Likely pathogenic (1 of 4 stars; one submission).

Conditions:
Charcot-Marie-Tooth disease axonal type 2V. Also called: CHARCOT-MARIE-TOOTH NEUROPATHY, TYPE 2V; CHARCOT-MARIE-TOOTH DISEASE, AXONAL, AUTOSOMAL DOMINANT, TYPE 2V. Identifiers: Orphanet 447964, MedGen C5569050, MONDO:0014665, OMIM 616491.
Mucopolysaccharidosis, MPS-III-B (MPS3B). Also called: N-ACETYL-ALPHA-D-GLUCOSAMINIDASE DEFICIENCY; NAGLU DEFICIENCY; SANFILIPPO SYNDROME B; MPS III B; Mucopolysaccharidosis type IIIB (Sanfilippo B); MUCOPOLYSACCHARIDOSIS, TYPE IIIB. Identifiers: Orphanet 79270, MedGen C0086648, MONDO:0009656, OMIM 252920.

Allele frequency attached by ClinVar (database versions not stated): ExAC 0.00001.

Submission:

Labcorp Genetics (formerly Invitae), Labcorp
Classification: Likely pathogenic for Charcot-Marie-Tooth disease axonal type 2V; Mucopolysaccharidosis, MPS-III-B. Last evaluated: 2024-05-06. Review status: criteria provided, single submitter. Criteria: Invitae Variant Classification Sherloc (09022015). Collection method: clinical testing. Allele origin: germline.
Comment: This sequence change replaces serine, which is neutral and polar, with phenylalanine, which is neutral and non-polar, at codon 278 of the NAGLU protein (p.Ser278Phe). This variant is not present in population databases (gnomAD no frequency). This missense change has been observed in individual(s) with mucopolysaccharidosis type III (Invitae). In at least one individual the data is consistent with being in trans (on the opposite chromosome) from a pathogenic variant. Advanced modeling of protein sequence and biophysical properties (such as structural, functional, and spatial information, amino acid conservation, physicochemical variation, residue mobility, and thermodynamic stability) performed at Invitae indicates that this missense variant is expected to disrupt NAGLU protein function with a positive predictive value of 80%. In summary, the currently available evidence indicates that the variant is pathogenic, but additional data are needed to prove that conclusively. Therefore, this variant has been classified as Likely Pathogenic.

NM_000263.4(NAGLU):c.833C>T (p.Ser278Phe)

Gene: NAGLU (N-acetyl-alpha-glucosaminidase; plus strand). Cytogenetic location: 17q21.2.
Variant type: single nucleotide variant.
Coding change: c.833C>T on transcript NM_000263.4 (MANE Select); coding-DNA position 833, C replaced by T.
Protein change: p.Ser278Phe; replaces serine 278 with phenylalanine.
Molecular consequence: missense variant.
Genome position (GRCh38, 1-based): chr17:42,541,018, C>T. VCF-style: chr17-42541018-C-T. GRCh37 (hg19) VCF-style: chr17-40693036-C-T.
Other names: short protein forms S278F.
Identifiers: ClinVar variation 2929122 (VCV002929122.3), dbSNP rs775364669, ClinGen allele CA8576884.